The following is an entry in ClinVar:

ClinVar aggregate classification (germline): Uncertain significance (1 of 4 stars; one submission).

gnomAD v4.1: 1 of 1,614,008 alleles (0.000062%); highest among the groups gnomAD compares: Non-Finnish European, 0.000085%; no homozygotes.

Submission:

GeneDx
Classification: Uncertain significance. Last evaluated: 2025-02-19. Review status: criteria provided, single submitter. Criteria: GeneDx Variant Classification Process June 2021. Collection method: clinical testing. Allele origin: germline. Affected: yes.
Comment: Not observed at significant frequency in large population cohorts (gnomAD); In silico analysis indicates that this missense variant does not alter protein structure/function; Has not been previously published as pathogenic or benign to our knowledge

NM_182961.4(SYNE1):c.18524G>A (p.Ser6175Asn)

Gene: SYNE1 (spectrin repeat containing nuclear envelope protein 1; minus strand). Cytogenetic location: 6q25.2.
Variant type: single nucleotide variant.
Coding change: c.18524G>A on transcript NM_182961.4 (MANE Select); coding-DNA position 18524, G replaced by A.
Protein change: p.Ser6175Asn; replaces serine 6175 with asparagine.
Molecular consequence: missense variant.
Genome position (GRCh38, 1-based): chr6:152,278,138, C>T on the plus strand (G>A on the coding strand, the complement: SYNE1 is on the minus strand). VCF-style: chr6-152278138-C-T. GRCh37 (hg19) VCF-style: chr6-152599273-C-T.
Other names: c.18311G>A, p.Ser6104Asn (NM_033071.5); short protein forms S6104N, S6175N.
Identifiers: ClinVar variation 4076746 (VCV004076746.1).